The following is an entry in ClinVar:

ClinVar aggregate classification (germline): Pathogenic. Review status: criteria provided, multiple submitters, no conflicts (2 of 4 stars). 3 submissions from 3 submitters: Pathogenic (2). 1 of the submissions does not count toward it. Last evaluated 2026-08-15.

Conditions:
Short stature, facial dysmorphism, and skeletal anomalies with or without cardiac anomalies 2. Identifiers: MedGen C5543057, MONDO:0030953, OMIM 619184.
Abnormal facial shape. Also called: Dysmorphic facies; Dysmorphic facial features. Identifiers: MedGen C0424503, HP:0001999.
Abnormality of the dentition. Also called: Dental anomalies. Identifiers: MedGen C0262444, HP:0000164.
Abnormality of the skeletal system. Identifiers: MedGen C4021790, HP:0000924.
Short stature. Identifiers: MedGen C0349588, HP:0004322.

Allele frequency attached by ClinVar (database versions not stated): gnomAD exomes 0.00001 and below 0.00001.
gnomAD v4.1: 7 of 1,614,154 alleles (0.00043%); highest among the groups gnomAD compares: East Asian, 0.0022%; no homozygotes.

Submissions (3):

GeneDx
Classification: Pathogenic. Last evaluated: 2026-08-15. Review status: criteria provided, single submitter. Criteria: GeneDx Variant Classification Process June 2021. Collection method: clinical testing. Allele origin: germline.
Comment: Identified in four affected relatives with severe short stature, skeletal abnormalities, distinctive facial features, and dental anomalies (PMID: 33308444); Nonsense variant predicted to result in protein truncation or nonsense mediated decay in a gene for which loss of function is a known mechanism of disease; Not observed at significant frequency in large population cohorts (gnomAD); This variant is associated with the following publications: (PMID: 33308444)

Tartaglia Lab, Genetics and Rare Diseases Research Division, Bambino Gesu' Children's Hospital
Classification: Pathogenic for Short stature; Abnormal facial shape; Abnormality of the dentition; Abnormality of the skeletal system. Last evaluated: 2020-09-01. Review status: criteria provided, single submitter. Criteria: ACMG Guidelines, 2015. Collection method: research. Allele origin: biparental. Affected: yes.

OMIM
Classification: Pathogenic for SHORT STATURE, FACIAL DYSMORPHISM, AND SKELETAL ANOMALIES WITHOUT CARDIAC ANOMALIES 2. Last evaluated: 2021-02-15. Review status: no assertion criteria provided. Collection method: literature only. Allele origin: germline. Not counted in ClinVar's aggregate classification.

Literature cited by the submitters: PubMed 33308444 (cited by OMIM).

NM_152753.4(SCUBE3):c.1717C>T (p.Arg573Ter)

Gene: SCUBE3 (signal peptide, CUB domain and EGF like domain containing 3; plus strand). Cytogenetic location: 6p21.31.
Variant type: single nucleotide variant.
Coding change: c.1717C>T on transcript NM_152753.4 (MANE Select); coding-DNA position 1717, C replaced by T.
Protein change: p.Arg573Ter; replaces arginine 573 with a stop codon.
Molecular consequence: nonsense.
Genome position (GRCh38, 1-based): chr6:35,243,044, C>T. VCF-style: chr6-35243044-C-T. GRCh37 (hg19) VCF-style: chr6-35210821-C-T.
Other names: SCUBE3, ARG573TER (rs1436996181); c.1714C>T, p.Arg572Ter (NM_001303136.2); c.1717C>T (NM_152753.2); short protein forms R572*, R573*.
Identifiers: ClinVar variation 981658 (VCV000981658.4), dbSNP rs1436996181, ClinGen allele CA363759325.